The following is an entry in ClinVar:

ClinVar aggregate classification (germline): Uncertain significance. Review status: criteria provided, multiple submitters, no conflicts (2 of 4 stars). 2 submissions from 2 submitters: Uncertain significance (2). Last evaluated 2024-03-01.

Conditions:
Congenital contractural arachnodactyly (CCA). Also called: BEALS SYNDROME; Beals-Hecht syndrome; Arthrogryposis, distal, type 9. Identifiers: Orphanet 115, MedGen C0220668, MONDO:0007363, OMIM 121050.
Familial thoracic aortic aneurysm and aortic dissection (TAAD). Also called: Thoracic aortic aneurysms and dissections. Identifiers: Orphanet 91387, MedGen C4707243, MONDO:0019625.

Allele frequency attached by ClinVar (database versions not stated): gnomAD exomes below 0.00001.
gnomAD v4.1: 4 of 1,614,166 alleles (0.00025%); highest among the groups gnomAD compares: Non-Finnish European, 0.00017%; no homozygotes.

Submissions (2):

Ambry Genetics
Classification: Uncertain significance for Familial thoracic aortic aneurysm and aortic dissection. Last evaluated: 2024-03-01. Review status: criteria provided, single submitter. Criteria: Ambry Variant Classification Scheme 2023. Collection method: clinical testing. Allele origin: germline.
Comment: The p.E1461G variant (also known as c.4382A>G), located in coding exon 34 of the FBN2 gene, results from an A to G substitution at nucleotide position 4382. The glutamic acid at codon 1461 is replaced by glycine, an amino acid with similar properties. This amino acid position is highly conserved in available vertebrate species. In addition, this alteration is predicted to be deleterious by in silico analysis. Based on the available evidence, the clinical significance of this alteration remains unclear.

Labcorp Genetics (formerly Invitae), Labcorp
Classification: Uncertain significance for Congenital contractural arachnodactyly. Last evaluated: 2019-07-31. Review status: criteria provided, single submitter. Criteria: Invitae Variant Classification Sherloc (09022015). Collection method: clinical testing. Allele origin: germline.
Comment: In summary, the available evidence is currently insufficient to determine the role of this variant in disease. Therefore, it has been classified as a Variant of Uncertain Significance. Algorithms developed to predict the effect of missense changes on protein structure and function (SIFT, PolyPhen-2, Align-GVGD) all suggest that this variant is likely to be disruptive, but these predictions have not been confirmed by published functional studies and their clinical significance is uncertain. This variant has not been reported in the literature in individuals with FBN2-related conditions. This variant is not present in population databases (ExAC no frequency). This sequence change replaces glutamic acid with glycine at codon 1461 of the FBN2 protein (p.Glu1461Gly). The glutamic acid residue is highly conserved and there is a moderate physicochemical difference between glutamic acid and glycine.

NM_001999.4(FBN2):c.4382A>G (p.Glu1461Gly)

Gene: FBN2 (fibrillin 2; minus strand). Cytogenetic location: 5q23.3.
Variant type: single nucleotide variant.
Coding change: c.4382A>G on transcript NM_001999.4 (MANE Select); coding-DNA position 4382, A replaced by G.
Protein change: p.Glu1461Gly; replaces glutamic acid 1461 with glycine.
Molecular consequence: missense variant.
Genome position (GRCh38, 1-based): chr5:128,328,785, T>C on the plus strand (A>G on the coding strand, the complement: FBN2 is on the minus strand). VCF-style: chr5-128328785-T-C. GRCh37 (hg19) VCF-style: chr5-127664477-T-C.
Other names: short protein forms E1461G.
Identifiers: ClinVar variation 950534 (VCV000950534.11), dbSNP rs1750620648, ClinGen allele CA360753108.
Genomic context (GRCh38, chr5:128,328,785, plus strand): 5'-GTGAAGCCCATCTCACACTCGCAGCGATATGCACCCGGGACATTAAGGCACTGTCCGTTC[T>C]CACAGAGGTTTATGTTTTCTGCACACTCATCAACATCTGTGCAAAAAAGCAAATTACATC-3'
Protein context (NP_001990.2, residues 1451-1471): DECAENINLC[Glu1461Gly]NGQCLNVPGA